The following is an entry in ClinVar:

ClinVar aggregate classification (germline): Uncertain significance (1 of 4 stars; one submission).

Conditions:
Vesicoureteral reflux 8 (VUR8). Identifiers: Orphanet 289365, MedGen C4014831, MONDO:0014422, OMIM 615963.

Allele frequency attached by ClinVar (database versions not stated): gnomAD exomes below 0.00001; ExAC 0.00002.
gnomAD v4.1: 4 of 1,597,008 alleles (0.00025%); highest among the groups gnomAD compares: Admixed American, 0.0034%; no homozygotes.

Submission:

Johns Hopkins Genomics, Johns Hopkins University
Classification: Uncertain significance for Vesicoureteral reflux 8. Last evaluated: 2021-10-22. Review status: criteria provided, single submitter. Criteria: ACMG Guidelines, 2015. Collection method: clinical testing. Allele origin: germline.
Comment: TNXB c.9935C>T (rs757045718) is rare (<0.1%) in a large population dataset (gnomAD: 1/242248 total alleles; 0.00041%; no homozygotes) and has not been reported in ClinVar nor the literature, to our knowledge. Of two bioinformatics tools queried, one predicts that the substitution would be possibly damaging, while one predicts that it would be tolerated. The alanine residue at this position is conserved in primates, but not in other species assessed. We consider the clinical significance of TNXB c.9935C>T to be uncertain at this time.

Literature cited by the submitters: PubMed 23620400.

NM_001365276.2(TNXB):c.9941C>T (p.Ala3314Val)

Gene: TNXB (tenascin XB; minus strand). Cytogenetic location: 6p21.33.
Variant type: single nucleotide variant.
Coding change: c.9941C>T on transcript NM_001365276.2 (MANE Select); coding-DNA position 9941, C replaced by T.
Protein change: p.Ala3314Val; replaces alanine 3314 with valine.
Molecular consequence: missense variant.
Genome position (GRCh38, 1-based): chr6:32,048,467, G>A on the plus strand (C>T on the coding strand, the complement: TNXB is on the minus strand). VCF-style: chr6-32048467-G-A. GRCh37 (hg19) VCF-style: chr6-32016244-G-A.
Other names: c.9935C>T, p.Ala3312Val (NM_019105.8); short protein forms A3312V, A3314V.
Identifiers: ClinVar variation 1331711 (VCV001331711.1), dbSNP rs757045718, ClinGen allele CA3733365.